The following is an entry in ClinVar:

ClinVar aggregate classification (germline): Pathogenic (0 of 4 stars; one submission).

Conditions:
Leukocyte adhesion deficiency 1 (LAD1). Also called: LEUKOCYTE ADHESION DEFICIENCY, TYPE I; LAD 1; Lymphocyte function-associated antigen 1 immunodeficiency; LFA 1 immunodeficiency. Identifiers: Orphanet 2968, Orphanet 99842, MedGen C0398738, MONDO:0007293, OMIM 116920.

Submission:

Genomic Research Center, Shahid Beheshti University of Medical Sciences
Classification: Pathogenic for Leukocyte adhesion deficiency type 1. Review status: no assertion criteria provided. Collection method: not provided. Allele origin: inherited. Study: Mutation spectra of the ITGB2 gene in Iranian families with leukocyte adhesion deficiency type 1.
ClinVar note: Converted during submission from pathogenic to Pathogenic.

NM_000211.5(ITGB2):c.1143del (p.Tyr382fs)

Gene: ITGB2 (integrin subunit beta 2; minus strand). Cytogenetic location: 21q22.3.
Variant type: Deletion.
Coding change: c.1143del on transcript NM_000211.5 (MANE Select); coding-DNA position 1143, one base deleted (C; older notation c.1143delC).
Protein change: p.Tyr382fs; shifts the reading frame from tyrosine 382.
Molecular consequence: frameshift variant.
Genome position (GRCh38, 1-based): chr21:44,893,485, G deleted on the plus strand (C on the coding strand, the reverse complement: ITGB2 is on the minus strand); the first of 2 consecutive G bases (chr21:44,893,485-44,893,486); deleting either gives the same sequence. VCF-style (leftmost placement, unchanged base first): chr21-44893484-AG-A. GRCh37 (hg19) VCF-style: chr21-46313399-AG-A.
Other names: c.1143del (LRG_76t1); c.1143del, p.Tyr382fs (NM_001127491.3); c.936del, p.Tyr313fs (NM_001303238.2); short protein forms Y382fs, Y313fs.
Identifiers: ClinVar variation 100747 (VCV000100747.4), dbSNP rs483352817, ClinGen allele CA249759.